The following is an entry in ClinVar:

ClinVar aggregate classification (germline): Uncertain significance (1 of 4 stars; one submission).

Submission:

Women's Health and Genetics/Laboratory Corporation of America, LabCorp
Classification: Uncertain significance. Last evaluated: 2020-10-19. Review status: criteria provided, single submitter. Criteria: LabCorp Variant Classification Summary - May 2015. Collection method: clinical testing. Allele origin: germline.
Comment: Variant summary: SMN1 c.*10C>A is located in the untranslated mRNA region downstream of the termination codon. The variant was absent in 65422 control chromosomes (gnomAD). The available data on variant occurrences in the general population are insufficient to allow any conclusion about variant significance. To our knowledge, no occurrence of c.*10C>A in individuals affected with Spinal Muscular Atrophy and no experimental evidence demonstrating its impact on protein function have been reported. No clinical diagnostic laboratories have submitted clinical-significance assessments for this variant to ClinVar after 2014. Based on the evidence outlined above, the variant was classified as uncertain significance.

NM_000344.4(SMN1):c.*10C>A

Gene: SMN1 (survival of motor neuron 1, telomeric). Cytogenetic location: 5q13.2.
Variant type: single nucleotide variant.
Coding change: c.*10C>A on transcript NM_000344.4 (MANE Select); 10 bases downstream of the stop codon, C replaced by A.
Molecular consequence: 3 prime UTR variant. On other transcripts: missense variant (1).
Genome position (GRCh38, 1-based): chr5:70,952,445, C>A. VCF-style: chr5-70952445-C-A. GRCh37 (hg19) VCF-style: chr5-70248272-C-A.
Other names: c.841C>A, p.Leu281Met (NM_001297715.1); c.*10C>A (NM_022874.2); short protein forms L281M.
Identifiers: ClinVar variation 984519 (VCV000984519.1), dbSNP rs1749796858, ClinGen allele CA360098661.
Genomic context (GRCh38, chr5:70,952,445, plus strand): 5'-GACATGGTTTAACTGGAATTCGTCAAGCCTCTGGTTCTAATTTCTCATTTGCAGGAAATG[C>A]TGGCATAGAGCAGCACTAAATGACACCACTAAAGAAACGATCAGACAGATCTGGAATGTG-3'